The following is an entry in ClinVar:

ClinVar aggregate classification (germline): Pathogenic/Likely pathogenic. Review status: criteria provided, multiple submitters, no conflicts (2 of 4 stars). 6 submissions from 6 submitters: Pathogenic (5); Likely pathogenic (1). Last evaluated 2026-04-01.

Conditions:
Autoinflammatory syndrome. Identifiers: Orphanet 93665, MedGen C3890737, MONDO:0019751.
Primary ciliary dyskinesia. Also called: Ciliary dyskinesia. Identifiers: Orphanet 244, MedGen C0008780, MONDO:0016575, HP:0012265.
Familial hemophagocytic lymphohistiocytosis 3 (FHL3). Also called: UNC13D-Related Familial Hemophagocytic Lymphohistiocytosis (UNC13D-fHLH). Identifiers: Orphanet 540, MedGen C1837174, MONDO:0012146, OMIM 608898.

Allele frequency attached by ClinVar (database versions not stated): gnomAD exomes below 0.00001; TOPMed below 0.00001; ExAC 0.00001; gnomAD 0.00001.
gnomAD v4.1: 10 of 1,613,772 alleles (0.00062%); highest among the groups gnomAD compares: East Asian, 0.0045%; no homozygotes.

Submissions (6):

Department of Human Genetics, Hannover Medical School
Classification: Likely pathogenic for Primary Ciliary Dyskinesia. Last evaluated: 2026-04-01. Review status: criteria provided, single submitter. Criteria: ACMG Guidelines, 2015. Collection method: research. Allele origin: germline. Affected: no.
Comment: Classification performed by HerediClassify using the following criteria:['PM2_supporting: Variant occures does not occur as homozygous in gnomAD.', 'PVS1_protein_very_strong: Transcript ENST00000207549 is predicted to undergo NMD.']

CeGaT Center for Human Genetics Tuebingen
Classification: Pathogenic. Last evaluated: 2024-11-01. Review status: criteria provided, single submitter. Criteria: CeGaT Center For Human Genetics Tuebingen Variant Classification Criteria Version 2. Collection method: clinical testing. Allele origin: germline. Affected: yes. Observed: 2 variant alleles.
Comment: UNC13D: PM3:Very Strong, PVS1, PM2

Labcorp Genetics (formerly Invitae), Labcorp
Classification: Pathogenic for Familial hemophagocytic lymphohistiocytosis 3. Last evaluated: 2023-05-01. Review status: criteria provided, single submitter. Criteria: Invitae Variant Classification Sherloc (09022015). Collection method: clinical testing. Allele origin: germline.
Comment: For these reasons, this variant has been classified as Pathogenic. ClinVar contains an entry for this variant (Variation ID: 1454697). This premature translational stop signal has been observed in individual(s) with familial haemophagocytic lymphohistiocytosis (PMID: 15466010, 17993578, 29357941). It has also been observed to segregate with disease in related individuals. This variant is present in population databases (rs769243366, gnomAD 0.003%). This sequence change creates a premature translational stop signal (p.Arg214*) in the UNC13D gene. It is expected to result in an absent or disrupted protein product. Loss-of-function variants in UNC13D are known to be pathogenic (PMID: 14622600).

Mendelics
Classification: Pathogenic for Familial hemophagocytic lymphohistiocytosis 3. Last evaluated: 2022-05-04. Review status: criteria provided, single submitter. Criteria: Mendelics Assertion Criteria 2019. Collection method: clinical testing. Allele origin: germline.

Genome Diagnostics Laboratory, The Hospital for Sick Children
Classification: Pathogenic for Autoinflammatory syndrome. Last evaluated: 2019-06-01. Review status: criteria provided, single submitter. Criteria: ACMG Guidelines, 2015. Collection method: clinical testing. Allele origin: germline. Affected: yes.

Suma Genomics
Classification: Pathogenic for Familial hemophagocytic lymphohistiocytosis 3. Review status: criteria provided, single submitter. Criteria: ACMG Guidelines, 2015. Collection method: clinical testing. Allele origin: germline. Inheritance: Autosomal recessive inheritance. Affected: yes. Observed: 1 variant allele, 1 homozygote.
Comment: This variant is observed in 10 individuals in the gnomAD database in heterozygous state. Biallelic loss-of-function variants in UNC13D are associated with Hemophagocytic lymphohistiocytosis, familial, 3 (MIM# 608898). Classification: Pathogenic Criteria met: PVS1: Null variant in a gene where loss of function is a known mechanism of disease PM2: Extremely low frequency in gnomAD population databases PM3: For recessive disorders, detected in trans with a pathogenic variant, or in a homozygous or compound heterozygous state in affected cases PP1_Strong+PP4_Supporting: Segregation

Literature cited by the submitters: PubMed 15466010 (cited by Labcorp Genetics (formerly Invitae), Labcorp); PubMed 17993578 (cited by Labcorp Genetics (formerly Invitae), Labcorp); PubMed 29357941 (cited by Labcorp Genetics (formerly Invitae), Labcorp); PubMed 14622600 (cited by Labcorp Genetics (formerly Invitae), Labcorp).

NM_199242.3(UNC13D):c.640C>T (p.Arg214Ter)

Gene: UNC13D (unc-13 homolog D; minus strand). Cytogenetic location: 17q25.1.
Variant type: single nucleotide variant.
Coding change: c.640C>T on transcript NM_199242.3 (MANE Select); coding-DNA position 640, C replaced by T.
Protein change: p.Arg214Ter; replaces arginine 214 with a stop codon.
Molecular consequence: nonsense.
Genome position (GRCh38, 1-based): chr17:75,840,805, G>A on the plus strand (C>T on the coding strand, the complement: UNC13D is on the minus strand). VCF-style: chr17-75840805-G-A. GRCh37 (hg19) VCF-style: chr17-73836886-G-A.
Other names: short protein forms R214*.
Identifiers: ClinVar variation 1454697 (VCV001454697.28), dbSNP rs769243366, ClinGen allele CA8773369.